The following is an entry in ClinVar:

NM_007327.4(GRIN1):c.1566G>C (p.Glu522Asp)

Gene: GRIN1 (glutamate ionotropic receptor NMDA type subunit 1; plus strand). Cytogenetic location: 9q34.3.
Variant type: single nucleotide variant.
Coding change: c.1566G>C on transcript NM_007327.4 (MANE Select); coding-DNA position 1566, G replaced by C.
Protein change: p.Glu522Asp; replaces glutamic acid 522 with aspartic acid.
Molecular consequence: missense variant.
Genome position (GRCh38, 1-based): chr9:137,162,022, G>C. VCF-style: chr9-137162022-G-C. GRCh37 (hg19) VCF-style: chr9-140056474-G-C.
Other names: c.1566G>C, p.Glu522Asp (NM_000832.7, NM_021569.4); c.1629G>C, p.Glu543Asp (NM_001185090.2, NM_001185091.2); short protein forms E522D, E543D.
Identifiers: ClinVar variation 2887126 (VCV002887126.3), dbSNP rs200342470, ClinGen allele CA375717370.

ClinVar aggregate classification (germline): Uncertain significance (1 of 4 stars; one submission).

Conditions:
Neurodevelopmental disorder with or without hyperkinetic movements and seizures, autosomal dominant. Also called: Intellectual disability, autosomal dominant 8. Identifiers: MedGen C3280282, MONDO:0013655, OMIM 614254.

gnomAD v4.1: 4 of 1,556,058 alleles (0.00026%); highest among the groups gnomAD compares: Middle Eastern, 0.017%; no homozygotes.

Submission:

Labcorp Genetics (formerly Invitae), Labcorp
Classification: Uncertain significance for Neurodevelopmental disorder with or without hyperkinetic movements and seizures, autosomal dominant. Last evaluated: 2023-07-09. Review status: criteria provided, single submitter. Criteria: Invitae Variant Classification Sherloc (09022015). Collection method: clinical testing. Allele origin: germline.
Comment: In summary, the available evidence is currently insufficient to determine the role of this variant in disease. Therefore, it has been classified as a Variant of Uncertain Significance. Advanced modeling of protein sequence and biophysical properties (such as structural, functional, and spatial information, amino acid conservation, physicochemical variation, residue mobility, and thermodynamic stability) has been performed at Invitae for this missense variant, however the output from this modeling did not meet the statistical confidence thresholds required to predict the impact of this variant on GRIN1 protein function. This variant has not been reported in the literature in individuals affected with GRIN1-related conditions. This variant is present in population databases (no rsID available, gnomAD 0.004%). This sequence change replaces glutamic acid, which is acidic and polar, with aspartic acid, which is acidic and polar, at codon 522 of the GRIN1 protein (p.Glu522Asp).